The following is an entry in ClinVar:

NM_025099.6(CTC1):c.330G>T (p.Gln110His)

Gene: CTC1 (CST telomere replication complex component 1; minus strand). Cytogenetic location: 17p13.1.
Variant type: single nucleotide variant.
Coding change: c.330G>T on transcript NM_025099.6 (MANE Select); coding-DNA position 330, G replaced by T.
Protein change: p.Gln110His; replaces glutamine 110 with histidine.
Molecular consequence: missense variant. On other transcripts: non-coding transcript variant (1).
Genome position (GRCh38, 1-based): chr17:8,238,497, C>A on the plus strand (G>T on the coding strand, the complement: CTC1 is on the minus strand). VCF-style: chr17-8238497-C-A. GRCh37 (hg19) VCF-style: chr17-8141815-C-A.
Other names: c.330G>T, p.Gln110His (NM_001411067.1); short protein forms Q110H.
Identifiers: ClinVar variation 3669610 (VCV003669610.2).

ClinVar aggregate classification (germline): Uncertain significance (1 of 4 stars; one submission).

Conditions:
Dyskeratosis congenita. Identifiers: Orphanet 1775, MedGen C0265965, MONDO:0015780.

Submission:

Labcorp Genetics (formerly Invitae), Labcorp
Classification: Uncertain significance for Dyskeratosis congenita. Last evaluated: 2024-02-03. Review status: criteria provided, single submitter. Criteria: Invitae Variant Classification Sherloc (09022015). Collection method: clinical testing. Allele origin: germline.
Comment: This sequence change replaces glutamine, which is neutral and polar, with histidine, which is basic and polar, at codon 110 of the CTC1 protein (p.Gln110His). This variant is not present in population databases (gnomAD no frequency). This variant has not been reported in the literature in individuals affected with CTC1-related conditions. Advanced modeling of protein sequence and biophysical properties (such as structural, functional, and spatial information, amino acid conservation, physicochemical variation, residue mobility, and thermodynamic stability) performed at Invitae indicates that this missense variant is not expected to disrupt CTC1 protein function with a negative predictive value of 80%. In summary, the available evidence is currently insufficient to determine the role of this variant in disease. Therefore, it has been classified as a Variant of Uncertain Significance.